The following is an entry in ClinVar:

ClinVar aggregate classification (germline): Uncertain significance (0 of 4 stars; one submission).

Conditions:
INPP5E-related disorder. Also called: INPP5E-related condition.

Submission:

PreventionGenetics, part of Exact Sciences
Classification: Uncertain significance for INPP5E-related condition. Last evaluated: 2024-03-18. Review status: no assertion criteria provided. Collection method: clinical testing. Allele origin: germline.
Comment: The INPP5E c.1276A>C variant is predicted to result in the amino acid substitution p.Thr426Pro. To our knowledge, this variant has not been reported in the literature or in a large population database, indicating this variant is rare. At this time, the clinical significance of this variant is uncertain due to the absence of conclusive functional and genetic evidence.

NM_019892.6(INPP5E):c.1276A>C (p.Thr426Pro)

Gene: INPP5E (inositol polyphosphate-5-phosphatase E; minus strand). Cytogenetic location: 9q34.3.
Variant type: single nucleotide variant.
Coding change: c.1276A>C on transcript NM_019892.6 (MANE Select); coding-DNA position 1276, A replaced by C.
Protein change: p.Thr426Pro; replaces threonine 426 with proline.
Molecular consequence: missense variant.
Genome position (GRCh38, 1-based): chr9:136,432,959, T>G on the plus strand (A>C on the coding strand, the complement: INPP5E is on the minus strand). VCF-style: chr9-136432959-T-G. GRCh37 (hg19) VCF-style: chr9-139327411-T-G.
Other names: c.1276A>C, p.Thr426Pro (NM_001318502.2); short protein forms T426P.
Identifiers: ClinVar variation 3349475 (VCV003349475.1).